The following is an entry in ClinVar:

NM_001007237.3(IGSF3):c.2574G>A (p.Lys858=)

Gene: IGSF3 (immunoglobulin superfamily member 3; minus strand). Cytogenetic location: 1p13.1.
Variant type: single nucleotide variant.
Coding change: c.2574G>A on transcript NM_001007237.3 (MANE Select); coding-DNA position 2574, G replaced by A.
Protein change: p.Lys858=; no amino-acid change (lysine 858 retained).
Molecular consequence: synonymous variant.
Genome position (GRCh38, 1-based): chr1:116,584,919, C>T on the plus strand (G>A on the coding strand, the complement: IGSF3 is on the minus strand). VCF-style: chr1-116584919-C-T. GRCh37 (hg19) VCF-style: chr1-117127541-C-T.
Other names: c.2634G>A, p.Lys878= (NM_001542.4).
Identifiers: ClinVar variation 2639022 (VCV002639022.24), dbSNP rs899569190, ClinGen allele CA29709673.

ClinVar aggregate classification (germline): Likely benign (1 of 4 stars; one submission).

Allele frequency attached by ClinVar (database versions not stated): gnomAD 0.00002; TOPMed 0.00003.
gnomAD v4.1: 10 of 1,613,968 alleles (0.00062%); highest among the groups gnomAD compares: African/African-American, 0.008%; no homozygotes.

Submission:

CeGaT Center for Human Genetics Tuebingen
Classification: Likely benign. Last evaluated: 2023-03-01. Review status: criteria provided, single submitter. Criteria: CeGaT Center For Human Genetics Tuebingen Variant Classification Criteria Version 2. Collection method: clinical testing. Allele origin: germline. Affected: yes. Observed: 1 variant allele.
Comment: IGSF3: BP4, BP7